The following is an entry in ClinVar:

NM_182961.4(SYNE1):c.20613G>T (p.Lys6871Asn)

Gene: SYNE1 (spectrin repeat containing nuclear envelope protein 1; minus strand). Cytogenetic location: 6q25.2.
Variant type: single nucleotide variant.
Coding change: c.20613G>T on transcript NM_182961.4 (MANE Select); coding-DNA position 20613, G replaced by T.
Protein change: p.Lys6871Asn; replaces lysine 6871 with asparagine.
Molecular consequence: missense variant.
Genome position (GRCh38, 1-based): chr6:152,233,880, C>A on the plus strand (G>T on the coding strand, the complement: SYNE1 is on the minus strand). VCF-style: chr6-152233880-C-A. GRCh37 (hg19) VCF-style: chr6-152555015-C-A.
Other names: c.20400G>T, p.Lys6800Asn (NM_033071.5); short protein forms K6871N, K6800N.
Identifiers: ClinVar variation 288080 (VCV000288080.10), dbSNP rs767727011, ClinGen allele CA4054381.

ClinVar aggregate classification (germline): Uncertain significance. Review status: criteria provided, multiple submitters, no conflicts (2 of 4 stars). 2 submissions from 2 submitters: Uncertain significance (2). Last evaluated 2022-09-14.

Allele frequency attached by ClinVar (database versions not stated): gnomAD exomes below 0.00001 and 0.00001; ExAC 0.00001; gnomAD 0.00001; TOPMed 0.00003.
gnomAD v4.1: 19 of 1,614,006 alleles (0.0012%); highest among the groups gnomAD compares: African/African-American, 0.0027%; no homozygotes.

Submissions (2):

Mayo Clinic Laboratories, Mayo Clinic
Classification: Uncertain significance. Last evaluated: 2022-09-14. Review status: criteria provided, single submitter. Criteria: ACMG Guidelines, 2015. Collection method: clinical testing. Allele origin: germline. Observed: 2 variant alleles.
Comment: BP4

Eurofins Ntd Llc (ga)
Classification: Uncertain significance. Last evaluated: 2016-05-25. Review status: criteria provided, single submitter. Criteria: EGL Classification Definitions 2015. Collection method: clinical testing. Allele origin: germline. Observed: 1 variant allele, 1 heterozygote.